The following is an entry in ClinVar:

ClinVar aggregate classification (germline): Likely pathogenic (1 of 4 stars; one submission).

Conditions:
Mosaic variegated aneuploidy syndrome 7 with inflammation and tumor predisposition (MVA7). Identifiers: MedGen C5774284, MONDO:0859346, OMIM 620189.

gnomAD v4.1: 21 of 1,613,966 alleles (0.0013%); highest among the groups gnomAD compares: African/African-American, 0.0027%; no homozygotes.

Submission:

EVOGEN
Classification: Likely pathogenic for Mosaic variegated aneuploidy syndrome 7 with inflammation and tumor predisposition. Last evaluated: 2025-03-28. Review status: criteria provided, single submitter. Criteria: ACMG Guidelines, 2015. Collection method: clinical testing. Allele origin: germline. Affected: no.
Comment: PVS1: Null variant (nonsense) in gene MAD1L1, predicted to cause NMD. Loss-of-function is a known mechanism of disease (gene has 5 reported pathogenic LOF variants). The exon affects 2 functional domains: UniProt protein MD1L1_HUMAN Mutagen sequence annotations 'KRAR -> LLAL: Loss of nuclear localization.' and UniProt protein MD1L1_HUMAN Mutagen sequence annotations 'Missing: Defective dimerization. Abolishes binding to the closed and open conformations of MAD2L1. Impairs mitotic checkpoint signaling abolishing mitotic arrest, and shortens the duration of mitosis.'. The truncated region contains 5 pathogenic variants. PM2: GnomAD genomes homozygous allele count = 0 is less than 2 for AR gene MAD1L1, good gnomAD genomes coverage = 31.2. GnomAD exomes homozygous allele count = 0 is less than 2 for AR gene MAD1L1, good gnomAD exomes coverage = 31.2.

NM_001013836.2(MAD1L1):c.244C>T (p.Arg82Ter)

Gene: MAD1L1 (mitotic arrest deficient 1 like 1; minus strand). Cytogenetic location: 7p22.3.
Variant type: single nucleotide variant.
Coding change: c.244C>T on transcript NM_001013836.2 (MANE Select); coding-DNA position 244, C replaced by T.
Protein change: p.Arg82Ter; replaces arginine 82 with a stop codon.
Molecular consequence: nonsense. On other transcripts: intron variant (1).
Genome position (GRCh38, 1-based): chr7:2,225,457, G>A on the plus strand (C>T on the coding strand, the complement: MAD1L1 is on the minus strand). VCF-style: chr7-2225457-G-A. GRCh37 (hg19) VCF-style: chr7-2265092-G-A.
Other names: c.244C>T, p.Arg82Ter (NM_001013837.2, NM_001304523.2, NM_003550.3); c.-124-2703C>T (NM_001304524.2); short protein forms R82*.
Identifiers: ClinVar variation 4690248 (VCV004690248.1).